The following is an entry in ClinVar:

NM_001291303.3(FAT4):c.9981T>C (p.Arg3327=)

Gene: FAT4 (FAT atypical cadherin 4; plus strand). Cytogenetic location: 4q28.1.
Variant type: single nucleotide variant.
Coding change: c.9981T>C on transcript NM_001291303.3 (MANE Select); coding-DNA position 9981, T replaced by C.
Protein change: p.Arg3327=; no amino-acid change (arginine 3327 retained).
Molecular consequence: synonymous variant.
Genome position (GRCh38, 1-based): chr4:125,450,991, T>C. VCF-style: chr4-125450991-T-C. GRCh37 (hg19) VCF-style: chr4-126372146-T-C.
Other names: c.9981T>C, p.Arg3327= (NM_001291285.3); c.9975T>C, p.Arg3325= (NM_024582.6); c.9975T>C (NM_024582.4).
Identifiers: ClinVar variation 1651150 (VCV001651150.10), dbSNP rs752677813, ClinGen allele CA3073612.

ClinVar aggregate classification (germline): Likely benign. Review status: criteria provided, single submitter (1 of 4 stars). 2 submissions from 2 submitters: Likely benign (1). 1 of the submissions does not count toward it. Last evaluated 2025-08-20.

Conditions:
FAT4-related disorder. Also called: FAT4-related condition.

Allele frequency attached by ClinVar (database versions not stated): gnomAD exomes 0.00002 and 0.00006; TOPMed 0.00002; ExAC 0.00005.
gnomAD v4.1: 12 of 1,614,084 alleles (0.00074%); highest among the groups gnomAD compares: Admixed American, 0.02%; no homozygotes.

Submissions (2):

Labcorp Genetics (formerly Invitae), Labcorp
Classification: Likely benign. Last evaluated: 2025-08-20. Review status: criteria provided, single submitter. Criteria: Invitae Variant Classification Sherloc (09022015). Collection method: clinical testing. Allele origin: germline.

PreventionGenetics, part of Exact Sciences
Classification: Likely benign for FAT4-related condition. Last evaluated: 2023-08-18. Review status: no assertion criteria provided. Collection method: clinical testing. Allele origin: germline. Not counted in ClinVar's aggregate classification.
Comment: This variant is classified as likely benign based on ACMG/AMP sequence variant interpretation guidelines (Richards et al. 2015 PMID: 25741868, with internal and published modifications).